The following is an entry in ClinVar:

NM_001367624.2(ZNF469):c.9961C>A (p.Pro3321Thr)

Gene: ZNF469 (zinc finger protein 469; plus strand). Cytogenetic location: 16q24.2.
Variant type: single nucleotide variant.
Coding change: c.9961C>A on transcript NM_001367624.2 (MANE Select); coding-DNA position 9961, C replaced by A.
Protein change: p.Pro3321Thr; replaces proline 3321 with threonine.
Molecular consequence: missense variant.
Genome position (GRCh38, 1-based): chr16:88,437,431, C>A. VCF-style: chr16-88437431-C-A. GRCh37 (hg19) VCF-style: chr16-88503839-C-A.
Other names: short protein forms P3321T.
Identifiers: ClinVar variation 2098004 (VCV002098004.1), dbSNP rs2507604904, ClinGen allele CA397125308.

ClinVar aggregate classification (germline): Uncertain significance (1 of 4 stars; one submission).

gnomAD v4.1: 7 of 1,521,350 alleles (0.00046%); highest among the groups gnomAD compares: Non-Finnish European, 0.00035%; no homozygotes.

Submission:

Labcorp Genetics (formerly Invitae), Labcorp
Classification: Uncertain significance. Last evaluated: 2022-02-17. Review status: criteria provided, single submitter. Criteria: Invitae Variant Classification Sherloc (09022015). Collection method: clinical testing. Allele origin: germline.
Comment: This sequence change replaces proline, which is neutral and non-polar, with threonine, which is neutral and polar, at codon 3293 of the ZNF469 protein (p.Pro3293Thr). This variant is not present in population databases (gnomAD no frequency). This variant has not been reported in the literature in individuals affected with ZNF469-related conditions. Algorithms developed to predict the effect of missense changes on protein structure and function (SIFT, PolyPhen-2, Align-GVGD) all suggest that this variant is likely to be tolerated. In summary, the available evidence is currently insufficient to determine the role of this variant in disease. Therefore, it has been classified as a Variant of Uncertain Significance.